The following is an entry in ClinVar:

NM_005055.5(RAPSN):c.691-4G>A

Gene: RAPSN (receptor associated protein of the synapse; minus strand). Cytogenetic location: 11p11.2.
Variant type: single nucleotide variant.
Coding change: c.691-4G>A on transcript NM_005055.5 (MANE Select); 4 bases into the intron before coding-DNA position 691, G replaced by A.
Molecular consequence: intron variant.
Genome position (GRCh38, 1-based): chr11:47,441,925, C>T on the plus strand (G>A on the coding strand, the complement: RAPSN is on the minus strand). VCF-style: chr11-47441925-C-T. GRCh37 (hg19) VCF-style: chr11-47463477-C-T.
Other names: c.691-4G>A (NM_032645.5, NM_005055.4).
Identifiers: ClinVar variation 2934992 (VCV002934992.4), dbSNP rs886048388, ClinGen allele CA677010615.

ClinVar aggregate classification (germline): Likely benign. Review status: criteria provided, single submitter (1 of 4 stars). 2 submissions from 2 submitters: Likely benign (1). 1 of the submissions does not count toward it. Last evaluated 2025-12-06.

Conditions:
RAPSN-related disorder. Also called: RAPSN-related condition; RAPSN-related disorders. Identifiers: MedGen CN239397.
Congenital myasthenic syndrome 11. Also called: MYASTHENIC SYNDROME, CONGENITAL, Ie; Myasthenic syndrome, congenital, 11, associated with acetylcholine receptor deficiency. Identifiers: Orphanet 590, MedGen C4225367, MONDO:0014588, OMIM 616326.
Fetal akinesia deformation sequence 1 (FADS1). Also called: Fetal akinesia sequence; Pena-Shokeir syndrome type I. Identifiers: Orphanet 994, MedGen C1276035, MONDO:0100101, OMIM 208150, HP:0001989.

gnomAD v4.1: 6 of 1,508,486 alleles (0.0004%); highest among the groups gnomAD compares: African/African-American, 0.0029%; no homozygotes.

Submissions (2):

Labcorp Genetics (formerly Invitae), Labcorp
Classification: Likely benign for Congenital myasthenic syndrome 11; Fetal akinesia deformation sequence 1. Last evaluated: 2025-12-06. Review status: criteria provided, single submitter. Criteria: Invitae Variant Classification Sherloc (09022015). Collection method: clinical testing. Allele origin: germline.

PreventionGenetics, part of Exact Sciences
Classification: Likely benign for RAPSN-related condition. Last evaluated: 2024-03-13. Review status: no assertion criteria provided. Collection method: clinical testing. Allele origin: germline. Not counted in ClinVar's aggregate classification.
Comment: This variant is classified as likely benign based on ACMG/AMP sequence variant interpretation guidelines (Richards et al. 2015 PMID: 25741868, with internal and published modifications).